The following is an entry in ClinVar:

NM_003072.5(SMARCA4):c.1816C>G (p.Leu606Val)

Gene: SMARCA4 (SWI/SNF related BAF chromatin remodeling complex subunit ATPase 4; plus strand). Cytogenetic location: 19p13.2.
Variant type: single nucleotide variant.
Coding change: c.1816C>G on transcript NM_003072.5 (MANE Select); coding-DNA position 1816, C replaced by G.
Protein change: p.Leu606Val; replaces leucine 606 with valine.
Molecular consequence: missense variant. On other transcripts: non-coding transcript variant (1).
Genome position (GRCh38, 1-based): chr19:11,003,032, C>G. VCF-style: chr19-11003032-C-G. GRCh37 (hg19) VCF-style: chr19-11113708-C-G.
Other names: c.1816C>G, p.Leu606Val (NM_001128844.3, NM_001128845.2, NM_001128846.2 and 5 more transcripts); short protein forms L606V.
Identifiers: ClinVar variation 663817 (VCV000663817.11), dbSNP rs1600132404, ClinGen allele CA404051387.

ClinVar aggregate classification (germline): Uncertain significance. Review status: criteria provided, multiple submitters, no conflicts (2 of 4 stars). 2 submissions from 2 submitters: Uncertain significance (2). Last evaluated 2018-08-10.

Conditions:
Rhabdoid tumor predisposition syndrome 2 (RTPS2). Identifiers: Orphanet 231108, Orphanet 69077, MedGen C2750074, MONDO:0013224, OMIM 613325.
Hereditary cancer-predisposing syndrome. Also called: Neoplastic Syndromes, Hereditary; Tumor predisposition; Hereditary neoplastic syndrome; Hereditary Cancer Syndrome. Identifiers: Orphanet 140162, MedGen C0027672, MeSH D009386, MONDO:0015356.

Submissions (2):

Labcorp Genetics (formerly Invitae), Labcorp
Classification: Uncertain significance for Rhabdoid tumor predisposition syndrome 2. Last evaluated: 2018-08-10. Review status: criteria provided, single submitter. Criteria: Invitae Variant Classification Sherloc (09022015). Collection method: clinical testing. Allele origin: germline.
Comment: This sequence change replaces leucine with valine at codon 606 of the SMARCA4 protein (p.Leu606Val). The leucine residue is highly conserved and there is a small physicochemical difference between leucine and valine. This variant is not present in population databases (ExAC no frequency). This variant has not been reported in the literature in individuals with SMARCA4-related disease. Algorithms developed to predict the effect of missense changes on protein structure and function are either unavailable or do not agree on the potential impact of this missense change (SIFT: "Deleterious"; PolyPhen-2: "Benign"; Align-GVGD: "Class C25"). In summary, the available evidence is currently insufficient to determine the role of this variant in disease. Therefore, it has been classified as a Variant of Uncertain Significance.

Ambry Genetics
Classification: Uncertain significance for Hereditary cancer-predisposing syndrome. Last evaluated: 2015-12-14. Review status: criteria provided, single submitter. Criteria: Ambry Variant Classification Scheme 2023. Collection method: clinical testing. Allele origin: germline.
Comment: The p.L606V variant (also known as c.1816C>G), located in coding exon 11 of the SMARCA4 gene, results from a C to G substitution at nucleotide position 1816. The leucine at codon 606 is replaced by valine, an amino acid with highly similar properties. This variant was not reported in population based cohorts in the following databases: Database of Single Nucleotide Polymorphisms (dbSNP), NHLBI Exome Sequencing Project (ESP), and 1000 Genomes Project. In the ESP, this variant was not observed in 6503 samples (13006 alleles) with coverage at this position. To date, this alteration has been detected with an allele frequency of approximately 0.003% (greater than 30000 alleles tested) in our clinical cohort. This amino acid position is highly conserved in available vertebrate species. In addition, this alteration is predicted to be tolerated by in silico analysis. Since supporting evidence is limited at this time, the clinical significance of p.L606V remains unclear.